The following is an entry in ClinVar:

ClinVar aggregate classification (germline): Uncertain significance. Review status: criteria provided, multiple submitters, no conflicts (2 of 4 stars). 3 submissions from 3 submitters: Uncertain significance (2). 1 of the submissions does not count toward it. Last evaluated 2022-06-29.

Conditions:
TTN-related disorder. Also called: TTN-related condition; TTN-related disease; TTN-related disorders.
Cardiovascular phenotype. Identifiers: MedGen CN230736.

Allele frequency attached by ClinVar (database versions not stated): gnomAD exomes 0.00002; gnomAD 0.00001.
gnomAD v4.1: 25 of 1,578,490 alleles (0.0016%); highest among the groups gnomAD compares: Non-Finnish European, 0.0021%; no homozygotes.

Submissions (3):

GeneDx
Classification: Uncertain significance. Last evaluated: 2022-06-29. Review status: criteria provided, single submitter. Criteria: GeneDx Variant Classification Process June 2021. Collection method: clinical testing. Allele origin: germline. Affected: yes.
Comment: Not observed at significant frequency in large population cohorts (gnomAD); In silico analysis supports a deleterious effect on splicing; Located in the A-band region of TTN in which the majority of loss of function variants have been associated with autosomal dominant titinopathies (Herman et al., 2012); Has not been previously published as pathogenic or benign to our knowledge

Ambry Genetics
Classification: Uncertain significance for Cardiovascular phenotype. Last evaluated: 2020-05-19. Review status: criteria provided, single submitter. Criteria: Ambry Variant Classification Scheme 2023. Collection method: clinical testing. Allele origin: germline.
Comment: The p.E6793D variant (also known as c.20379G>C), located in coding exon 81 of the TTN gene, results from a G to C substitution at nucleotide position 20379. The glutamic acid at codon 6793 is replaced by aspartic acid, an amino acid with highly similar properties. This amino acid position is highly conserved in available vertebrate species. In addition, this alteration is predicted to be tolerated by in silico analysis. Since supporting evidence is limited at this time, the clinical significance of this alteration remains unclear.

PreventionGenetics, part of Exact Sciences
Classification: Uncertain significance for TTN-related condition. Last evaluated: 2023-12-20. Review status: no assertion criteria provided. Collection method: clinical testing. Allele origin: germline. Not counted in ClinVar's aggregate classification.
Comment: The TTN c.47574G>C variant is predicted to result in the amino acid substitution p.Glu15858Asp. To our knowledge, this variant has not been reported in the literature. This variant is reported in 0.0045% of alleles in individuals of African descent in gnomAD. At this time, the clinical significance of this variant is uncertain due to the absence of conclusive functional and genetic evidence.

NM_001267550.2(TTN):c.47574G>C (p.Glu15858Asp)

Genes: TTN (titin; minus strand), TTN-AS1 (TTN antisense RNA 1; plus strand). Cytogenetic location: 2q31.2.
Variant type: single nucleotide variant.
Coding change: c.47574G>C on transcript NM_001267550.2 (MANE Select); coding-DNA position 47574, G replaced by C.
Protein change: p.Glu15858Asp; replaces glutamic acid 15858 with aspartic acid.
Molecular consequence: missense variant.
Genome position (GRCh38, 1-based): chr2:178,617,511, C>G on the plus strand (G>C on the coding strand, the complement: TTN is on the minus strand). VCF-style: chr2-178617511-C-G. GRCh37 (hg19) VCF-style: chr2-179482238-C-G.
Other names: c.42651G>C, p.Glu14217Asp (NM_001256850.1); c.20379G>C, p.Glu6793Asp (NM_003319.4); c.39870G>C, p.Glu13290Asp (NM_133378.4); c.20754G>C, p.Glu6918Asp (NM_133432.3); c.20955G>C, p.Glu6985Asp (NM_133437.4); short protein forms E6985D, E14217D, E6793D, E13290D, E6918D, E15858D.
Identifiers: ClinVar variation 1784823 (VCV001784823.5), dbSNP rs1025015992, ClinGen allele CA60990178.